The following is an entry in ClinVar:

ClinVar aggregate classification (germline): Benign (1 of 4 stars; one submission).

Allele frequency attached by ClinVar (database versions not stated): 1000 Genomes Project 30x 0.20269; 1000 Genomes Project 0.20607; TOPMed 0.25070; gnomAD 0.26731 and 0.27045.
gnomAD v4.1: 41,152 of 152,028 alleles (27%); highest among the groups gnomAD compares: Non-Finnish European, 37%; 6,997 homozygotes.

Submission:

GeneDx
Classification: Benign. Last evaluated: 2018-06-14. Review status: criteria provided, single submitter. Criteria: GeneDx Variant Classification (06012015). Collection method: clinical testing. Allele origin: germline. Affected: yes.
Comment: This variant is considered likely benign or benign based on one or more of the following criteria: it is a conservative change, it occurs at a poorly conserved position in the protein, it is predicted to be benign by multiple in silico algorithms, and/or has population frequency not consistent with disease.

NM_005751.5(AKAP9):c.6946-174T>C

Gene: AKAP9 (A-kinase anchoring protein 9; plus strand). Cytogenetic location: 7q21.2.
Variant type: single nucleotide variant.
Coding change: c.6946-174T>C on transcript NM_005751.5 (MANE Select); 174 bases into the intron before coding-DNA position 6946, T replaced by C.
Molecular consequence: intron variant.
Genome position (GRCh38, 1-based): chr7:92,078,905, T>C. VCF-style: chr7-92078905-T-C. GRCh37 (hg19) VCF-style: chr7-91708219-T-C.
Other names: c.6922-174T>C (NM_147185.3); c.1591-174T>C (NM_001379277.1).
Identifiers: ClinVar variation 671874 (VCV000671874.1), dbSNP rs41371748, ClinGen allele CA15492018.